The following is an entry in ClinVar:

NM_000051.4(ATM):c.4441T>C (p.Ser1481Pro)

Gene: ATM (ATM serine/threonine kinase; plus strand). Cytogenetic location: 11q22.3.
Variant type: single nucleotide variant.
Coding change: c.4441T>C on transcript NM_000051.4 (MANE Select); coding-DNA position 4441, T replaced by C.
Protein change: p.Ser1481Pro; replaces serine 1481 with proline.
Molecular consequence: missense variant.
Genome position (GRCh38, 1-based): chr11:108,292,623, T>C. VCF-style: chr11-108292623-T-C. GRCh37 (hg19) VCF-style: chr11-108163350-T-C.
Other names: c.4441T>C, p.Ser1481Pro (NM_001351834.2); short protein forms S1481P.
Identifiers: ClinVar variation 1363195 (VCV001363195.10), dbSNP rs2135797205, ClinGen allele CA382532895.

ClinVar aggregate classification (germline): Uncertain significance. Review status: criteria provided, multiple submitters, no conflicts (2 of 4 stars). 3 submissions from 3 submitters: Uncertain significance (3). Last evaluated 2025-06-15.

Conditions:
Familial cancer of breast. Also called: BREAST CANCER, FAMILIAL; hereditary breast carcinoma; Hereditary breast cancer. Identifiers: Orphanet 227535, MedGen C0346153, MONDO:0016419, OMIM 114480. Disease mechanism: loss of function.
Ataxia-telangiectasia syndrome (AT). Also called: ATAXIA-TELANGIECTASIA, COMPLEMENTATION GROUP A; ATAXIA-TELANGIECTASIA, FRESNO VARIANT; Ataxia-telangiectasia; Ataxia-telangiectasia, complementation group D; Ataxia-telangiectasia, complementation group E; Ataxia telangiectasia (A-T). Identifiers: Orphanet 100, MedGen C0004135, MONDO:0008840, OMIM 208900.
Hereditary cancer-predisposing syndrome. Also called: Hereditary Cancer Syndrome; Hereditary neoplastic syndrome; Tumor predisposition; Neoplastic Syndromes, Hereditary. Identifiers: Orphanet 140162, MedGen C0027672, MeSH D009386, MONDO:0015356.

Allele frequency attached by ClinVar (database versions not stated): gnomAD exomes below 0.00001.
gnomAD v4.1: 1 of 1,613,956 alleles (0.000062%); highest among the groups gnomAD compares: Non-Finnish European, 0.000085%; no homozygotes.

Submissions (3):

Ambry Genetics
Classification: Uncertain significance for Hereditary cancer-predisposing syndrome. Last evaluated: 2025-06-15. Review status: criteria provided, single submitter. Criteria: Ambry Variant Classification Scheme 2023. Collection method: clinical testing. Allele origin: germline.
Comment: The p.S1481P variant (also known as c.4441T>C), located in coding exon 29 of the ATM gene, results from a T to C substitution at nucleotide position 4441. The serine at codon 1481 is replaced by proline, an amino acid with similar properties. This amino acid position is conserved. In addition, this alteration is predicted to be tolerated by in silico analysis. Based on the available evidence, the clinical significance of this variant remains unclear.

Fulgent Genetics
Classification: Uncertain significance for Familial cancer of breast; Ataxia-telangiectasia syndrome. Last evaluated: 2021-09-23. Review status: criteria provided, single submitter. Criteria: ACMG Guidelines, 2015. Collection method: clinical testing. Allele origin: unknown.

Labcorp Genetics (formerly Invitae), Labcorp
Classification: Uncertain significance for Ataxia-telangiectasia syndrome. Last evaluated: 2021-01-07. Review status: criteria provided, single submitter. Criteria: Invitae Variant Classification Sherloc (09022015). Collection method: clinical testing. Allele origin: germline.
Comment: In summary, the available evidence is currently insufficient to determine the role of this variant in disease. Therefore, it has been classified as a Variant of Uncertain Significance. Advanced modeling of protein sequence and biophysical properties (such as structural, functional, and spatial information, amino acid conservation, physicochemical variation, residue mobility, and thermodynamic stability) performed at Invitae indicates that this missense variant is not expected to disrupt ATM protein function. This variant has not been reported in the literature in individuals with ATM-related conditions. This variant is not present in population databases (ExAC no frequency). This sequence change replaces serine with proline at codon 1481 of the ATM protein (p.Ser1481Pro). The serine residue is moderately conserved and there is a moderate physicochemical difference between serine and proline.